The following is an entry in ClinVar:

ClinVar aggregate classification (germline): Pathogenic (1 of 4 stars; one submission).

Submission:

Labcorp Genetics (formerly Invitae), Labcorp
Classification: Pathogenic. Last evaluated: 2021-07-28. Review status: criteria provided, single submitter. Criteria: Invitae Variant Classification Sherloc (09022015). Collection method: clinical testing. Allele origin: germline.
Comment: For these reasons, this variant has been classified as Pathogenic. This variant has not been reported in the literature in individuals affected with CWC27-related conditions. This variant is not present in population databases (ExAC no frequency). This sequence change creates a premature translational stop signal (p.Ser309*) in the CWC27 gene. It is expected to result in an absent or disrupted protein product. Loss-of-function variants in CWC27 are known to be pathogenic (PMID: 28285769).

Literature cited by the submitters: PubMed 28285769.

NM_005869.4(CWC27):c.926C>G (p.Ser309Ter)

Gene: CWC27 (CWC27 spliceosome associated cyclophilin; plus strand). Cytogenetic location: 5q12.3.
Variant type: single nucleotide variant.
Coding change: c.926C>G on transcript NM_005869.4 (MANE Select); coding-DNA position 926, C replaced by G.
Protein change: p.Ser309Ter; replaces serine 309 with a stop codon.
Molecular consequence: nonsense.
Genome position (GRCh38, 1-based): chr5:64,804,374, C>G. VCF-style: chr5-64804374-C-G. GRCh37 (hg19) VCF-style: chr5-64100201-C-G.
Other names: c.926C>G, p.Ser309Ter (NM_001297644.1, NM_001297645.2, NM_001318000.2 and 1 more transcripts); short protein forms S309*.
Identifiers: ClinVar variation 1458608 (VCV001458608.6), dbSNP rs2112214898, ClinGen allele CA359834229.